The following is an entry in ClinVar:

NM_003664.5(AP3B1):c.2218G>A (p.Ala740Thr)

Gene: AP3B1 (adaptor related protein complex 3 subunit beta 1; minus strand). Cytogenetic location: 5q14.1.
Variant type: single nucleotide variant.
Coding change: c.2218G>A on transcript NM_003664.5 (MANE Select); coding-DNA position 2218, G replaced by A.
Protein change: p.Ala740Thr; replaces alanine 740 with threonine.
Molecular consequence: missense variant.
Genome position (GRCh38, 1-based): chr5:78,113,783, C>T on the plus strand (G>A on the coding strand, the complement: AP3B1 is on the minus strand). VCF-style: chr5-78113783-C-T. GRCh37 (hg19) VCF-style: chr5-77409607-C-T.
Other names: c.2071G>A, p.Ala691Thr (NM_001271769.2); c.2218G>A, p.Ala740Thr (NM_001410752.1); short protein forms A691T, A740T.
Identifiers: ClinVar variation 1952738 (VCV001952738.5), dbSNP rs1751698002, ClinGen allele CA360183485.

ClinVar aggregate classification (germline): Uncertain significance (1 of 4 stars; one submission).

Conditions:
Hermansky-Pudlak syndrome 2 (HPS2). Also called: Platelet defects and oculocutaneous albinism. Identifiers: Orphanet 183678, Orphanet 79430, MedGen C1842362, MONDO:0011997, OMIM 608233.

Submission:

Labcorp Genetics (formerly Invitae), Labcorp
Classification: Uncertain significance for Hermansky-Pudlak syndrome 2. Last evaluated: 2022-04-09. Review status: criteria provided, single submitter. Criteria: Invitae Variant Classification Sherloc (09022015). Collection method: clinical testing. Allele origin: germline.
Comment: Algorithms developed to predict the effect of missense changes on protein structure and function output the following: SIFT: "Tolerated"; PolyPhen-2: "Benign"; Align-GVGD: "Class C0". The threonine amino acid residue is found in multiple mammalian species, which suggests that this missense change does not adversely affect protein function. In summary, the available evidence is currently insufficient to determine the role of this variant in disease. Therefore, it has been classified as a Variant of Uncertain Significance. This variant has not been reported in the literature in individuals affected with AP3B1-related conditions. This sequence change replaces alanine, which is neutral and non-polar, with threonine, which is neutral and polar, at codon 740 of the AP3B1 protein (p.Ala740Thr). This variant is not present in population databases (gnomAD no frequency).